The following is an entry in ClinVar:

NM_002691.4(POLD1):c.131T>C (p.Met44Thr)

Gene: POLD1 (DNA polymerase delta 1, catalytic subunit; plus strand). Cytogenetic location: 19q13.33.
Variant type: single nucleotide variant.
Coding change: c.131T>C on transcript NM_002691.4 (MANE Select); coding-DNA position 131, T replaced by C.
Protein change: p.Met44Thr; replaces methionine 44 with threonine.
Molecular consequence: missense variant. On other transcripts: non-coding transcript variant (1).
Genome position (GRCh38, 1-based): chr19:50,398,982, T>C. VCF-style: chr19-50398982-T-C. GRCh37 (hg19) VCF-style: chr19-50902239-T-C.
Other names: c.131T>C, p.Met44Thr (NM_001256849.1, NM_001308632.1); short protein forms M44T.
Identifiers: ClinVar variation 1769876 (VCV001769876.5), dbSNP rs2513933162, ClinGen allele CA406970208.

ClinVar aggregate classification (germline): Uncertain significance. Review status: criteria provided, multiple submitters, no conflicts (2 of 4 stars). 2 submissions from 2 submitters: Uncertain significance (2). Last evaluated 2024-12-15.

Conditions:
POLD1-related polyposis and colorectal cancer syndrome (CRCS10). Also called: COLORECTAL CANCER, SUSCEPTIBILITY TO, ON CHROMOSOME 19q; Colorectal cancer 10; Colorectal cancer, susceptibility to, 10. Identifiers: Orphanet 220460, MedGen C2675481, MONDO:0012953, OMIM 612591.
Hereditary cancer-predisposing syndrome. Also called: Neoplastic Syndromes, Hereditary; Tumor predisposition; Hereditary neoplastic syndrome; Hereditary Cancer Syndrome. Identifiers: Orphanet 140162, MedGen C0027672, MeSH D009386, MONDO:0015356.

Allele frequency attached by ClinVar (database versions not stated): gnomAD exomes below 0.00001.

Submissions (2):

Labcorp Genetics (formerly Invitae), Labcorp
Classification: Uncertain significance for POLD1-related polyposis and colorectal cancer syndrome. Last evaluated: 2024-12-15. Review status: criteria provided, single submitter. Criteria: Invitae Variant Classification Sherloc (09022015). Collection method: clinical testing. Allele origin: germline.
Comment: This sequence change replaces methionine, which is neutral and non-polar, with threonine, which is neutral and polar, at codon 44 of the POLD1 protein (p.Met44Thr). This variant is not present in population databases (gnomAD no frequency). This variant has not been reported in the literature in individuals affected with POLD1-related conditions. ClinVar contains an entry for this variant (Variation ID: 1769876). An algorithm developed to predict the effect of missense changes on protein structure and function (PolyPhen-2) suggests that this variant is likely to be tolerated. In summary, the available evidence is currently insufficient to determine the role of this variant in disease. Therefore, it has been classified as a Variant of Uncertain Significance.

Ambry Genetics
Classification: Uncertain significance for Hereditary cancer-predisposing syndrome. Last evaluated: 2024-06-27. Review status: criteria provided, single submitter. Criteria: Ambry Variant Classification Scheme 2023. Collection method: clinical testing. Allele origin: germline.
Comment: The p.M44T variant (also known as c.131T>C), located in coding exon 1 of the POLD1 gene, results from a T to C substitution at nucleotide position 131. The methionine at codon 44 is replaced by threonine, an amino acid with similar properties. This amino acid position is conserved. In addition, this alteration is predicted to be tolerated by in silico analysis. Since supporting evidence is limited at this time, the clinical significance of this alteration remains unclear.